The following is an entry in ClinVar:

NM_018943.3(TUBA8):c.89T>A (p.Ile30Asn)

Gene: TUBA8 (tubulin alpha 8; plus strand). Cytogenetic location: 22q11.21.
Variant type: single nucleotide variant.
Coding change: c.89T>A on transcript NM_018943.3 (MANE Select); coding-DNA position 89, T replaced by A.
Protein change: p.Ile30Asn; replaces isoleucine 30 with asparagine.
Molecular consequence: missense variant. On other transcripts: 5 prime UTR variant (1).
Genome position (GRCh38, 1-based): chr22:18,121,564, T>A. VCF-style: chr22-18121564-T-A. GRCh37 (hg19) VCF-style: chr22-18604331-T-A.
Other names: c.-110T>A (NM_001193414.2); short protein forms I30N.
Identifiers: ClinVar variation 1502564 (VCV001502564.8), dbSNP rs749202600, ClinGen allele CA10093577.
Genomic context (GRCh38, chr22:18,121,564, plus strand): 5'-GCCAAGCGGGAGTTCAGATTGGCAATGCCTGCTGGGAGCTCTTCTGCCTGGAACACGGCA[T>A]CCAGGCAGACGGCACTTTTGATGCTCAAGCTAGCAAGATCAACGATGATGACTCCTTCAC-3'
Protein context (NP_061816.1, residues 20-40): CWELFCLEHG[Ile30Asn]QADGTFDAQA

ClinVar aggregate classification (germline): Uncertain significance (1 of 4 stars; one submission).

Allele frequency attached by ClinVar (database versions not stated): gnomAD exomes 0.00001; ExAC 0.00002; gnomAD 0.00002; TOPMed 0.00002.

Submission:

Labcorp Genetics (formerly Invitae), Labcorp
Classification: Uncertain significance. Last evaluated: 2023-02-26. Review status: criteria provided, single submitter. Criteria: Invitae Variant Classification Sherloc (09022015). Collection method: clinical testing. Allele origin: germline.
Comment: In summary, the available evidence is currently insufficient to determine the role of this variant in disease. Therefore, it has been classified as a Variant of Uncertain Significance. Advanced modeling of protein sequence and biophysical properties (such as structural, functional, and spatial information, amino acid conservation, physicochemical variation, residue mobility, and thermodynamic stability) performed at Invitae indicates that this missense variant is expected to disrupt TUBA8 protein function. ClinVar contains an entry for this variant (Variation ID: 1502564). This variant has not been reported in the literature in individuals affected with TUBA8-related conditions. This variant is present in population databases (rs749202600, gnomAD 0.007%). This sequence change replaces isoleucine, which is neutral and non-polar, with asparagine, which is neutral and polar, at codon 30 of the TUBA8 protein (p.Ile30Asn).